The following is an entry in ClinVar:

NM_000093.5(COL5A1):c.1935+127G>C

Gene: COL5A1 (collagen type V alpha 1 chain; plus strand). Cytogenetic location: 9q34.3.
Variant type: single nucleotide variant.
Coding change: c.1935+127G>C on transcript NM_000093.5 (MANE Select); 127 bases into the intron after coding-DNA position 1935, G replaced by C.
Molecular consequence: intron variant.
Genome position (GRCh38, 1-based): chr9:134,758,423, G>C. VCF-style: chr9-134758423-G-C. GRCh37 (hg19) VCF-style: chr9-137650269-G-C.
Other names: c.1935+127G>C (NM_001278074.1).
Identifiers: ClinVar variation 675649 (VCV000675649.2), dbSNP rs56125517, ClinGen allele CA13077957.

ClinVar aggregate classification (germline): Benign. Review status: criteria provided, multiple submitters, no conflicts (2 of 4 stars). 2 submissions from 2 submitters: Benign (2). Last evaluated 2018-06-16.

Allele frequency attached by ClinVar (database versions not stated): gnomAD 0.03647 and 0.03894; TOPMed 0.04029; 1000 Genomes Project 0.04113; 1000 Genomes Project 30x 0.04497.
gnomAD v4.1: 8,591 of 932,700 alleles (0.92%); highest among the groups gnomAD compares: African/African-American, 12%; 500 homozygotes.

Submissions (2):

GeneDx
Classification: Benign. Last evaluated: 2018-06-16. Review status: criteria provided, single submitter. Criteria: GeneDx Variant Classification (06012015). Collection method: clinical testing. Allele origin: germline. Affected: yes.
Comment: This variant is considered likely benign or benign based on one or more of the following criteria: it is a conservative change, it occurs at a poorly conserved position in the protein, it is predicted to be benign by multiple in silico algorithms, and/or has population frequency not consistent with disease.

Breakthrough Genomics
Classification: Benign. Review status: criteria provided, single submitter. Criteria: ACMG Guidelines, 2015. Collection method: not provided. Allele origin: germline. Inheritance: Autosomal dominant inheritance. Affected: yes.